The following is an entry in ClinVar:

ClinVar aggregate classification (germline): Uncertain significance. Review status: criteria provided, multiple submitters, no conflicts (2 of 4 stars). 2 submissions from 2 submitters: Uncertain significance (2). Last evaluated 2023-03-11.

Conditions:
Autosomal recessive limb-girdle muscular dystrophy type 2L (LGMDR12). Also called: Limb-girdle muscular dystrophy, type 2L; MUSCULAR DYSTROPHY, LIMB-GIRDLE, AUTOSOMAL RECESSIVE 12; Limb-Girdle Muscular Dystrophy R12 Anoctamin-5-Related (LGMD-R12). Identifiers: Orphanet 206549, MedGen C1969785, MONDO:0012652, OMIM 611307.
Gnathodiaphyseal dysplasia (GDD). Also called: GNATHODIAPHYSEAL SCLEROSIS; OSTEOGENESIS IMPERFECTA WITH UNUSUAL SKELETAL LESIONS. Identifiers: Orphanet 53697, MedGen C1833736, MONDO:0008151, OMIM 166260.
ANO5-related disorder. Also called: ANO5-related condition; ANO5-related disorders. Identifiers: MedGen CN239193.

Submissions (2):

Labcorp Genetics (formerly Invitae), Labcorp
Classification: Uncertain significance for Autosomal recessive limb-girdle muscular dystrophy type 2L; Gnathodiaphyseal dysplasia. Last evaluated: 2023-03-11. Review status: criteria provided, single submitter. Criteria: Invitae Variant Classification Sherloc (09022015). Collection method: clinical testing. Allele origin: germline.
Comment: This sequence change replaces glutamic acid, which is acidic and polar, with lysine, which is basic and polar, at codon 863 of the ANO5 protein (p.Glu863Lys). In summary, the available evidence is currently insufficient to determine the role of this variant in disease. Therefore, it has been classified as a Variant of Uncertain Significance. Advanced modeling of protein sequence and biophysical properties (such as structural, functional, and spatial information, amino acid conservation, physicochemical variation, residue mobility, and thermodynamic stability) has been performed at Invitae for this missense variant, however the output from this modeling did not meet the statistical confidence thresholds required to predict the impact of this variant on ANO5 protein function. This variant has not been reported in the literature in individuals affected with ANO5-related conditions. This variant is not present in population databases (gnomAD no frequency).

PreventionGenetics, part of Exact Sciences
Classification: Uncertain significance for ANO5-related condition. Last evaluated: 2022-12-22. Review status: criteria provided, single submitter. Criteria: ACMG Guidelines, 2015. Collection method: clinical testing. Allele origin: germline.
Comment: The ANO5 c.2587G>A variant is predicted to result in the amino acid substitution p.Glu863Lys. To our knowledge, this variant has not been reported in the literature or in a large population database, indicating this variant is rare. At this time, the clinical significance of this variant is uncertain due to the absence of conclusive functional and genetic evidence.

NM_213599.3(ANO5):c.2587G>A (p.Glu863Lys)

Gene: ANO5 (anoctamin 5; plus strand). Cytogenetic location: 11p14.3.
Variant type: single nucleotide variant.
Coding change: c.2587G>A on transcript NM_213599.3 (MANE Select); coding-DNA position 2587, G replaced by A.
Protein change: p.Glu863Lys; replaces glutamic acid 863 with lysine.
Molecular consequence: missense variant.
Genome position (GRCh38, 1-based): chr11:22,279,610, G>A. VCF-style: chr11-22279610-G-A. GRCh37 (hg19) VCF-style: chr11-22301156-G-A.
Other names: c.2584G>A, p.Glu862Lys (NM_001142649.2); c.2545G>A, p.Glu849Lys (NM_001410963.1); c.2542G>A, p.Glu848Lys (NM_001410964.1); short protein forms E848K, E849K, E862K, E863K.
Identifiers: ClinVar variation 2630016 (VCV002630016.4), dbSNP rs1442498026, ClinGen allele CA379924986.